The following is an entry in ClinVar:

NM_001364905.1(LRBA):c.8162G>A (p.Arg2721Lys)

Gene: LRBA (LPS responsive beige-like anchor protein; minus strand). Cytogenetic location: 4q31.3.
Variant type: single nucleotide variant.
Coding change: c.8162G>A on transcript NM_001364905.1 (MANE Select); coding-DNA position 8162, G replaced by A.
Protein change: p.Arg2721Lys; replaces arginine 2721 with lysine.
Molecular consequence: missense variant.
Genome position (GRCh38, 1-based): chr4:150,282,604, C>T on the plus strand (G>A on the coding strand, the complement: LRBA is on the minus strand). VCF-style: chr4-150282604-C-T. GRCh37 (hg19) VCF-style: chr4-151203756-C-T.
Other names: c.8159G>A, p.Arg2720Lys (NM_001199282.3); c.8177G>A, p.Arg2726Lys (NM_001367550.1); c.8195G>A, p.Arg2732Lys (NM_006726.5); short protein forms R2732K, R2720K, R2721K, R2726K.
Identifiers: ClinVar variation 1909392 (VCV001909392.2), dbSNP rs961906798, ClinGen allele CA107810516.

ClinVar aggregate classification (germline): Uncertain significance (1 of 4 stars; one submission).

Conditions:
Combined immunodeficiency due to LRBA deficiency. Also called: Common variable immunodeficiency 8, with autoimmunity. Identifiers: Orphanet 445018, MedGen C3553512, MONDO:0013863, OMIM 614700.

Allele frequency attached by ClinVar (database versions not stated): TOPMed below 0.00001.

Submission:

Labcorp Genetics (formerly Invitae), Labcorp
Classification: Uncertain significance for Combined immunodeficiency due to LRBA deficiency. Last evaluated: 2022-06-18. Review status: criteria provided, single submitter. Criteria: Invitae Variant Classification Sherloc (09022015). Collection method: clinical testing. Allele origin: germline.
Comment: This sequence change replaces arginine, which is basic and polar, with lysine, which is basic and polar, at codon 2732 of the LRBA protein (p.Arg2732Lys). This variant is not present in population databases (gnomAD no frequency). This variant has not been reported in the literature in individuals affected with LRBA-related conditions. Algorithms developed to predict the effect of missense changes on protein structure and function are either unavailable or do not agree on the potential impact of this missense change (SIFT: "Deleterious"; PolyPhen-2: "Probably Damaging"; Align-GVGD: "Class C0"). In summary, the available evidence is currently insufficient to determine the role of this variant in disease. Therefore, it has been classified as a Variant of Uncertain Significance.